The following is an entry in ClinVar:

NM_014915.3(ANKRD26):c.4624A>G (p.Thr1542Ala)

Gene: ANKRD26 (ankyrin repeat domain containing 26; minus strand). Cytogenetic location: 10p12.1.
Variant type: single nucleotide variant.
Coding change: c.4624A>G on transcript NM_014915.3 (MANE Select); coding-DNA position 4624, A replaced by G.
Protein change: p.Thr1542Ala; replaces threonine 1542 with alanine.
Molecular consequence: missense variant.
Genome position (GRCh38, 1-based): chr10:27,014,594, T>C on the plus strand (A>G on the coding strand, the complement: ANKRD26 is on the minus strand). VCF-style: chr10-27014594-T-C. GRCh37 (hg19) VCF-style: chr10-27303523-T-C.
Other names: c.4621A>G, p.Thr1541Ala (NM_001256053.2); short protein forms T1541A, T1542A.
Identifiers: ClinVar variation 3913541 (VCV003913541.1).

ClinVar aggregate classification (germline): Uncertain significance (1 of 4 stars; one submission).

Conditions:
Inborn genetic diseases. Identifiers: MedGen C0950123, MeSH D030342.

Submission:

Ambry Genetics
Classification: Uncertain significance for Inborn genetic diseases. Last evaluated: 2025-04-03. Review status: criteria provided, single submitter. Criteria: Ambry Variant Classification Scheme 2023. Collection method: clinical testing. Allele origin: germline.
Comment: The p.T1542A variant (also known as c.4624A>G), located in coding exon 31 of the ANKRD26 gene, results from an A to G substitution at nucleotide position 4624. The threonine at codon 1542 is replaced by alanine, an amino acid with similar properties. This amino acid position is conserved. In addition, this alteration is predicted to be tolerated by in silico analysis. Based on the available evidence, the clinical significance of this variant remains unclear.